The following is an entry in ClinVar:

NM_005732.4(RAD50):c.1614G>A (p.Met538Ile)

Gene: RAD50 (RAD50 double strand break repair protein; plus strand). Cytogenetic location: 5q31.1.
Variant type: single nucleotide variant.
Coding change: c.1614G>A on transcript NM_005732.4 (MANE Select); coding-DNA position 1614, G replaced by A.
Protein change: p.Met538Ile; replaces methionine 538 with isoleucine.
Molecular consequence: missense variant.
Genome position (GRCh38, 1-based): chr5:132,591,385, G>A. VCF-style: chr5-132591385-G-A. GRCh37 (hg19) VCF-style: chr5-131927077-G-A.
Other names: short protein forms M538I.
Identifiers: ClinVar variation 3942158 (VCV003942158.1).

ClinVar aggregate classification (germline): Uncertain significance (1 of 4 stars; one submission).

Conditions:
Hereditary cancer-predisposing syndrome. Also called: Tumor predisposition; Hereditary neoplastic syndrome; Hereditary Cancer Syndrome; Neoplastic Syndromes, Hereditary. Identifiers: Orphanet 140162, MedGen C0027672, MeSH D009386, MONDO:0015356.

Submission:

Ambry Genetics
Classification: Uncertain significance for Hereditary cancer-predisposing syndrome. Last evaluated: 2025-03-27. Review status: criteria provided, single submitter. Criteria: Ambry Variant Classification Scheme 2023. Collection method: clinical testing. Allele origin: germline.
Comment: The p.M538I variant (also known as c.1614G>A), located in coding exon 10 of the RAD50 gene, results from a G to A substitution at nucleotide position 1614. The methionine at codon 538 is replaced by isoleucine, an amino acid with highly similar properties. This amino acid position is conserved. In addition, the in silico prediction for this alteration is inconclusive. Based on the available evidence, the clinical significance of this variant remains unclear.